The following is an entry in ClinVar:

NM_138694.4(PKHD1):c.2916_2917insTGCCGTCTTCTGC (p.Val973fs)

Gene: PKHD1 (PKHD1 ciliary IPT domain containing fibrocystin/polyductin; minus strand). Cytogenetic location: 6p12.2.
Variant type: Insertion.
Coding change: c.2916_2917insTGCCGTCTTCTGC on transcript NM_138694.4 (MANE Select); coding-DNA positions 2916 to 2917, TGCCGTCTTCTGC inserted.
Protein change: p.Val973fs; shifts the reading frame from valine 973.
Molecular consequence: frameshift variant.
Genome position: GRCh38 VCF-style: chr6-52043039-C-CGCAGAAGACGGCA. GRCh37 (hg19) VCF-style: chr6-51907837-C-CGCAGAAGACGGCA.
Other names: c.2916_2917insTGCCGTCTTCTGC, p.Val973fs (NM_170724.3); short protein forms V973fs.
Identifiers: ClinVar variation 1725181 (VCV001725181.2), dbSNP rs2533048356, ClinGen allele CA2580075471.

ClinVar aggregate classification (germline): Likely pathogenic (1 of 4 stars; one submission).

Conditions:
Polycystic kidney disease 4 (PKD4). Also called: POLYCYSTIC KIDNEY AND HEPATIC DISEASE 1; POLYCYSTIC KIDNEY DISEASE, INFANTILE, TYPE I; POLYCYSTIC KIDNEY DISEASE 4 WITH OR WITHOUT POLYCYSTIC LIVER DISEASE; PKD3; Autosomal Recessive Polycystic Kidney Disease – PKHD1. Identifiers: MedGen C4540575, MONDO:0033004, OMIM 263200.

Submission:

Myriad Genetics, Inc.
Classification: Likely pathogenic for Polycystic kidney disease 4. Last evaluated: 2021-12-01. Review status: criteria provided, single submitter. Criteria: Myriad Women's Health Autosomal Recessive and X-Linked Classification Criteria (2021). Collection method: clinical testing. Allele origin: unknown.
Comment: NM_138694.3(PKHD1):c.2916_2917ins13(V973Cfs*52) is expected to be pathogenic in the context of autosomal recessive polycystic kidney disease, PKHD1-related. This variant is predicted to lead to an abnormal or absent protein product due to the creation of a premature termination codon in PKHD1, a gene where loss-of-function variants are known to be pathogenic. Please note: this variant was assessed in the context of healthy population screening.